The following is an entry in ClinVar:

NM_003737.4(DCHS1):c.4111G>A (p.Gly1371Ser)

Gene: DCHS1 (dachsous cadherin-related 1; minus strand). Cytogenetic location: 11p15.4.
Variant type: single nucleotide variant.
Coding change: c.4111G>A on transcript NM_003737.4 (MANE Select); coding-DNA position 4111, G replaced by A.
Protein change: p.Gly1371Ser; replaces glycine 1371 with serine.
Molecular consequence: missense variant.
Genome position (GRCh38, 1-based): chr11:6,630,683, C>T on the plus strand (G>A on the coding strand, the complement: DCHS1 is on the minus strand). VCF-style: chr11-6630683-C-T. GRCh37 (hg19) VCF-style: chr11-6651914-C-T.
Other names: short protein forms G1371S.
Identifiers: ClinVar variation 4747705 (VCV004747705.1).

ClinVar aggregate classification (germline): Uncertain significance (1 of 4 stars; one submission).

gnomAD v4.1: 3 of 1,538,672 alleles (0.00019%); highest among the groups gnomAD compares: Non-Finnish European, 0.000087%; no homozygotes.

Submission:

Labcorp Genetics (formerly Invitae), Labcorp
Classification: Uncertain significance. Last evaluated: 2025-12-10. Review status: criteria provided, single submitter. Criteria: Invitae Variant Classification Sherloc (09022015). Collection method: clinical testing. Allele origin: germline.
Comment: This sequence change replaces glycine, which is neutral and non-polar, with serine, which is neutral and polar, at codon 1371 of the DCHS1 protein (p.Gly1371Ser). This variant is present in population databases (rs778849732, gnomAD 0.01%). This variant has not been reported in the literature in individuals affected with DCHS1-related conditions. Invitae Evidence Modeling of protein sequence and biophysical properties (such as structural, functional, and spatial information, amino acid conservation, physicochemical variation, residue mobility, and thermodynamic stability) indicates that this missense variant is not expected to disrupt DCHS1 protein function with a negative predictive value of 95%. In summary, the available evidence is currently insufficient to determine the role of this variant in disease. Therefore, it has been classified as a Variant of Uncertain Significance.